The following is an entry in ClinVar:

NM_001384140.1(PCDH15):c.3204_3205del (p.Tyr1069fs)

Gene: PCDH15 (protocadherin related 15; minus strand). Cytogenetic location: 10q21.1.
Variant type: Microsatellite.
Coding change: c.3204_3205del on transcript NM_001384140.1 (MANE Select); coding-DNA positions 3204 to 3205, 2 bases deleted (GT; older notation c.3204_3205delGT).
Protein change: p.Tyr1069fs; shifts the reading frame from tyrosine 1069.
Molecular consequence: frameshift variant.
Genome position (GRCh38, 1-based): chr10:53,940,893-53,940,894, AC deleted on the plus strand (GT on the coding strand, the reverse complement: PCDH15 is on the minus strand); deleting any 2 consecutive bases within chr10:53,940,893-53,940,897 gives the same sequence; the c. name uses the placement nearest the transcript's 3' end. VCF-style (leftmost placement, unchanged base first): chr10-53940892-TAC-T. GRCh37 (hg19) VCF-style: chr10-55700652-TAC-T.
Other names: c.3219_3220del, p.Tyr1074fs (NM_001142763.2, NM_001142771.2); c.3204_3205del, p.Tyr1069fs (NM_001142764.2, NM_001142766.2, NM_001142770.3 and 4 more transcripts); c.2991_2992del, p.Tyr998fs (NM_001142765.2); c.3093_3094del, p.Tyr1032fs (NM_001142767.2); c.3138_3139del, p.Tyr1047fs (NM_001142768.2, NM_001142773.2, NM_001354404.2); c.3237_3238TG[1], p.Tyr1081Leufs (NM_001142769.4); c.3225_3226del, p.Tyr1076fs (NM_001354411.2); short protein forms Y1032fs, Y1047fs, Y1069fs, Y1074fs, Y1076fs, Y1081fs, Y998fs.
Identifiers: ClinVar variation 1724565 (VCV001724565.2), dbSNP rs2494643428, ClinGen allele CA2580615475.
Genomic context (GRCh38, chr10:53,940,892, plus strand): 5'-TGATGGTGAGAACACAAACTAAAAGTCTACTCACCTTCTTCATTTCCTGAAACAATGGAG[TAC>T]ACAATACTTTGATTAATGGCAGCAGCAGAAATTACACCAACCATGGTCCCTTTGGTGGCA-3'

ClinVar aggregate classification (germline): Likely pathogenic (1 of 4 stars; one submission).

Conditions:
Usher syndrome type 1D (USH1D). Also called: USHER SYNDROME, TYPE ID. Identifiers: Orphanet 231169, Orphanet 886, MedGen C1832845, MONDO:0010984, OMIM 601067.

Submission:

Myriad Genetics, Inc.
Classification: Likely pathogenic for Usher syndrome type 1D. Last evaluated: 2022-02-19. Review status: criteria provided, single submitter. Criteria: Myriad Women's Health Autosomal Recessive and X-Linked Classification Criteria (2021). Collection method: clinical testing. Allele origin: unknown.
Comment: NM_033056.3(PCDH15):c.3204_3205delGT(Y1069Lfs*7) is expected to be pathogenic in the context of PCDH15-related disorders. This variant is predicted to lead to an abnormal or absent protein product due to the creation of a premature termination codon in PCDH15, a gene where loss-of-function variants are known to be pathogenic. Please note: this variant was assessed in the context of healthy population screening.